The following is an entry in ClinVar:

NM_016343.4(CENPF):c.8089G>A (p.Ala2697Thr)

Gene: CENPF (centromere protein F; plus strand). Cytogenetic location: 1q41.
Variant type: single nucleotide variant.
Coding change: c.8089G>A on transcript NM_016343.4 (MANE Select); coding-DNA position 8089, G replaced by A.
Protein change: p.Ala2697Thr; replaces alanine 2697 with threonine.
Molecular consequence: missense variant.
Genome position (GRCh38, 1-based): chr1:214,651,815, G>A. VCF-style: chr1-214651815-G-A. GRCh37 (hg19) VCF-style: chr1-214825158-G-A.
Other names: short protein forms A2697T.
Identifiers: ClinVar variation 4808516 (VCV004808516.1).

ClinVar aggregate classification (germline): Uncertain significance (1 of 4 stars; one submission).

gnomAD v4.1: 2 of 1,613,338 alleles (0.00012%); highest among the groups gnomAD compares: East Asian, 0.0022%; no homozygotes.

Submission:

Labcorp Genetics (formerly Invitae), Labcorp
Classification: Uncertain significance. Last evaluated: 2026-01-28. Review status: criteria provided, single submitter. Criteria: Invitae Variant Classification Sherloc (09022015). Collection method: clinical testing. Allele origin: germline.
Comment: This sequence change replaces alanine, which is neutral and non-polar, with threonine, which is neutral and polar, at codon 2697 of the CENPF protein (p.Ala2697Thr). This variant is present in population databases (no rsID available, gnomAD 0.006%). This variant has not been reported in the literature in individuals affected with CENPF-related conditions. An algorithm developed to predict the effect of missense changes on protein structure and function outputs the following: PolyPhen-2: "Benign". The threonine amino acid residue is found in multiple mammalian species, which suggests that this missense change does not adversely affect protein function. In summary, the available evidence is currently insufficient to determine the role of this variant in disease. Therefore, it has been classified as a Variant of Uncertain Significance.